The following is an entry in ClinVar:

NM_003403.5(YY1):c.254C>T (p.Ala85Val)

Gene: YY1 (YY1 transcription factor; plus strand). Cytogenetic location: 14q32.2.
Variant type: single nucleotide variant.
Coding change: c.254C>T on transcript NM_003403.5 (MANE Select); coding-DNA position 254, C replaced by T.
Protein change: p.Ala85Val; replaces alanine 85 with valine.
Molecular consequence: missense variant.
Genome position (GRCh38, 1-based): chr14:100,239,498, C>T. VCF-style: chr14-100239498-C-T. GRCh37 (hg19) VCF-style: chr14-100705835-C-T.
Other names: short protein forms A85V.
Identifiers: ClinVar variation 4992973 (VCV004992973.1).

ClinVar aggregate classification (germline): Uncertain significance (1 of 4 stars; one submission).

Conditions:
YY1-related disorder. Also called: YY1-related condition.

Submission:

PreventionGenetics, part of Exact Sciences
Classification: Uncertain significance for YY1-related condition. Last evaluated: 2025-10-06. Review status: criteria provided, single submitter. Criteria: ACMG Guidelines, 2015. Collection method: clinical testing. Allele origin: germline.
Comment: The YY1 c.254C>T variant is predicted to result in the amino acid substitution p.Ala85Val. To our knowledge, this variant has not been reported in the literature or in a large population database (gnomAD), indicating this variant is rare. Although we suspect that this variant may be pathogenic, at this time, the clinical significance of this variant is uncertain due to the absence of conclusive functional and genetic evidence.